The following is an entry in ClinVar:

NM_000257.4(MYH7):c.5641C>T (p.Gln1881Ter)

Gene: MYH7 (myosin heavy chain 7; minus strand). Cytogenetic location: 14q11.2.
Variant type: single nucleotide variant.
Coding change: c.5641C>T on transcript NM_000257.4 (MANE Select); coding-DNA position 5641, C replaced by T.
Protein change: p.Gln1881Ter; replaces glutamine 1881 with a stop codon.
Molecular consequence: nonsense.
Genome position (GRCh38, 1-based): chr14:23,414,021, G>A on the plus strand (C>T on the coding strand, the complement: MYH7 is on the minus strand). VCF-style: chr14-23414021-G-A. GRCh37 (hg19) VCF-style: chr14-23883230-G-A.
Other names: short protein forms Q1881*.
Identifiers: ClinVar variation 918230 (VCV000918230.7), dbSNP rs1892080773, ClinGen allele CA389034805.

ClinVar aggregate classification (germline): Uncertain significance. Review status: criteria provided, multiple submitters, no conflicts (2 of 4 stars). 2 submissions from 2 submitters: Uncertain significance (2). Last evaluated 2022-07-29.

Conditions:
Cardiomyopathy (CMYO). Also called: Cardiomyopathies. Identifiers: Orphanet 167848, MedGen C0878544, MONDO:0004994, HP:0001638. Inheritance: Various modes of inheritance.
Hypertrophic cardiomyopathy. Also called: HYPERTROPHIC MYOCARDIOPATHY. Identifiers: Orphanet 217569, MedGen C0007194, MeSH D002312, MONDO:0005045, HP:0001639.

Submissions (2):

Labcorp Genetics (formerly Invitae), Labcorp
Classification: Uncertain significance for Hypertrophic cardiomyopathy. Last evaluated: 2022-07-29. Review status: criteria provided, single submitter. Criteria: Invitae Variant Classification Sherloc (09022015). Collection method: clinical testing. Allele origin: germline.
Comment: In summary, the available evidence is currently insufficient to determine the role of this variant in disease. Therefore, it has been classified as a Variant of Uncertain Significance. ClinVar contains an entry for this variant (Variation ID: 918230). This variant has not been reported in the literature in individuals affected with MYH7-related conditions. This variant is not present in population databases (gnomAD no frequency). This sequence change creates a premature translational stop signal (p.Gln1881*) in the MYH7 gene. It is expected to result in an absent or disrupted protein product. However, the current clinical and genetic evidence is not sufficient to establish whether loss-of-function variants in MYH7 cause disease.

Color Diagnostics, LLC DBA Color Health
Classification: Uncertain significance for Cardiomyopathy. Last evaluated: 2018-11-20. Review status: criteria provided, single submitter. Criteria: ACMG Guidelines, 2015. Collection method: clinical testing. Allele origin: germline.
Comment: Variant of Uncertain Significance due to insufficient evidence: This variant changes 1 nucleotide in exon 38 of the MYH7 gene, creating a premature translation stop signal. This variant is expected to result in an absent or non-functional protein product. To our knowledge, functional assays have not been performed for this variant nor has this variant been reported in individuals affected with cardiovascular disorders in the literature. This variant is rare in the general population and has been identified in 0/277264 chromosomes by the Genome Aggregation Database (gnomAD). Disease-causing variants in MYH7 are mostly missense variants that act in a dominant-negative manner. The role of MYH7 truncation variants in cardiomyopathy is not clearly established. Available evidence is insufficient to determine the pathogenicity of this variant conclusively.